The following is an entry in ClinVar:

ClinVar aggregate classification (germline): Uncertain significance. Review status: criteria provided, multiple submitters, no conflicts (2 of 4 stars). 2 submissions from 2 submitters: Uncertain significance (2). Last evaluated 2024-11-20.

Conditions:
Inborn genetic diseases. Identifiers: MedGen C0950123, MeSH D030342.

Allele frequency attached by ClinVar (database versions not stated): gnomAD 0.00001; TOPMed 0.00001.
gnomAD v4.1: 8 of 1,613,832 alleles (0.0005%); highest among the groups gnomAD compares: Non-Finnish European, 0.00068%; no homozygotes.

Submissions (2):

Ambry Genetics
Classification: Uncertain significance for Inborn genetic diseases. Last evaluated: 2024-11-20. Review status: criteria provided, single submitter. Criteria: Ambry Variant Classification Scheme 2023. Collection method: clinical testing. Allele origin: germline.
Comment: The p.A1014S variant (also known as c.3040G>T), located in coding exon 24 of the ANKRD26 gene, results from a G to T substitution at nucleotide position 3040. The alanine at codon 1014 is replaced by serine, an amino acid with similar properties. This amino acid position is conserved. In addition, this alteration is predicted to be tolerated by in silico analysis. Based on the available evidence, the clinical significance of this variant remains unclear.

Labcorp Genetics (formerly Invitae), Labcorp
Classification: Uncertain significance. Last evaluated: 2023-06-20. Review status: criteria provided, single submitter. Criteria: Invitae Variant Classification Sherloc (09022015). Collection method: clinical testing. Allele origin: germline.
Comment: In summary, the available evidence is currently insufficient to determine the role of this variant in disease. Therefore, it has been classified as a Variant of Uncertain Significance. An algorithm developed to predict the effect of missense changes on protein structure and function (PolyPhen-2) suggests that this variant is likely to be disruptive. This variant has not been reported in the literature in individuals affected with ANKRD26-related conditions. This variant is not present in population databases (gnomAD no frequency). This sequence change replaces alanine, which is neutral and non-polar, with serine, which is neutral and polar, at codon 1014 of the ANKRD26 protein (p.Ala1014Ser).

NM_014915.3(ANKRD26):c.3040G>T (p.Ala1014Ser)

Gene: ANKRD26 (ankyrin repeat domain 26; minus strand). Cytogenetic location: 10p12.1.
Variant type: single nucleotide variant.
Coding change: c.3040G>T on transcript NM_014915.3 (MANE Select); coding-DNA position 3040, G replaced by T.
Protein change: p.Ala1014Ser; replaces alanine 1014 with serine.
Molecular consequence: missense variant.
Genome position (GRCh38, 1-based): chr10:27,035,410, C>A on the plus strand (G>T on the coding strand, the complement: ANKRD26 is on the minus strand). VCF-style: chr10-27035410-C-A. GRCh37 (hg19) VCF-style: chr10-27324339-C-A.
Other names: c.3037G>T, p.Ala1013Ser (NM_001256053.2); short protein forms A1013S, A1014S.
Identifiers: ClinVar variation 2885962 (VCV002885962.4), dbSNP rs780307969, ClinGen allele CA5448110.